The following is an entry in ClinVar:

NM_004612.4(TGFBR1):c.575-4_575-3dup

Gene: TGFBR1 (transforming growth factor beta receptor 1; plus strand). Cytogenetic location: 9q22.33.
Variant type: Duplication.
Coding change: c.575-4_575-3dup on transcript NM_004612.4 (MANE Select); 4 bases into the intron before coding-DNA position 575 through 3 bases into the intron before coding-DNA position 575, 2 bases duplicated (TT; older notation c.575-4_575-3dupTT).
Molecular consequence: intron variant.
Genome position (GRCh38, 1-based): chr9:99,137,855-99,137,856, TT duplicated; duplicating any 2 consecutive bases within chr9:99,137,854-99,137,856 gives the same sequence; the c. name uses the placement nearest the transcript's 3' end. VCF-style (leftmost placement, unchanged base first): chr9-99137853-C-CTT. GRCh37 (hg19) VCF-style: chr9-101900135-C-CTT.
Other names: c.380-4_380-3dup (NM_001407418.1, NM_001407419.1, NM_001407422.1 and 1 more transcripts); c.368-4_368-3dup (NM_001407423.1, NM_001407424.1, NM_001407425.1 and 8 more transcripts); c.587-4_587-3dup (NM_001306210.2, NM_001407416.1); c.575-4_575-3dup (NM_001407417.1); c.575-4681_575-4680dup (NM_001407435.1); c.344-4_344-3dup (NM_001130916.3); c.329-4_329-3dup (NM_001407436.1); c.98-4_98-3dup (NM_001407438.1); and 1 more.
Identifiers: ClinVar variation 3070892 (VCV003070892.1), dbSNP rs2490185216, ClinGen allele CA2825001658.

ClinVar aggregate classification (germline): Uncertain significance (1 of 4 stars; one submission).

Conditions:
Loeys-Dietz syndrome (LDS). Identifiers: Orphanet 60030, MedGen C2697932, MONDO:0018954.

Submission:

All of Us Research Program, National Institutes of Health
Classification: Uncertain significance for Loeys-Dietz syndrome. Last evaluated: 2023-05-04. Review status: criteria provided, single submitter. Criteria: ACMG Guidelines, 2015. Collection method: clinical testing. Allele origin: germline. Inheritance: Autosomal dominant inheritance. Observed: 1 variant allele, 1 heterozygote.
Comment: This variant causes an insertion of 2 nucleotides in intron 3 splice acceptor site of the TGFBR1 gene. To our knowledge, functional studies have not been reported for this variant. This variant has not been reported in individuals affected with TGFBR1-related disorders in the literature. This variant has not been identified in the general population by the Genome Aggregation Database (gnomAD). The available evidence is insufficient to determine the role of this variant in disease conclusively. Therefore, this variant is classified as a Variant of Uncertain Significance.

This study involves interpretation of variants in research participants for the purpose of population health screening. Participant phenotype was not available at the time of variant classification. Additional details can be found in publication PMID: 35346344, PMCID: PMC8962531